The following is an entry in ClinVar:

ClinVar aggregate classification (germline): Uncertain significance. Review status: criteria provided, multiple submitters, no conflicts (2 of 4 stars). 2 submissions from 2 submitters: Uncertain significance (2). Last evaluated 2024-10-12.

Conditions:
Inborn genetic diseases. Identifiers: MedGen C0950123, MeSH D030342.
Arginine:glycine amidinotransferase deficiency (CCDS3). Also called: Creatine deficiency syndrome due to AGAT deficiency; GATM deficiency; AGAT deficiency; L-Arginine:Glycine Amidinotransferase Deficiency; L-Arginine:Glycine Amidinotransferase (AGAT) Deficiency; Cerebral creatine deficiency syndrome 3. Identifiers: Orphanet 35704, MedGen C2675179, MONDO:0012996, OMIM 612718.

gnomAD v4.1: 2 of 1,612,854 alleles (0.00012%); highest among the groups gnomAD compares: Non-Finnish European, 0.00017%; no homozygotes.

Submissions (2):

Labcorp Genetics (formerly Invitae), Labcorp
Classification: Uncertain significance for Arginine:glycine amidinotransferase deficiency. Last evaluated: 2024-10-12. Review status: criteria provided, single submitter. Criteria: Invitae Variant Classification Sherloc (09022015). Collection method: clinical testing. Allele origin: germline.
Comment: This sequence change replaces arginine, which is basic and polar, with cysteine, which is neutral and slightly polar, at codon 396 of the GATM protein (p.Arg396Cys). This variant is not present in population databases (gnomAD no frequency). This variant has not been reported in the literature in individuals affected with GATM-related conditions. ClinVar contains an entry for this variant (Variation ID: 2187313). Invitae Evidence Modeling of protein sequence and biophysical properties (such as structural, functional, and spatial information, amino acid conservation, physicochemical variation, residue mobility, and thermodynamic stability) indicates that this missense variant is expected to disrupt GATM protein function with a positive predictive value of 95%. In summary, the available evidence is currently insufficient to determine the role of this variant in disease. Therefore, it has been classified as a Variant of Uncertain Significance.

Ambry Genetics
Classification: Uncertain significance for Inborn genetic diseases. Last evaluated: 2024-05-13. Review status: criteria provided, single submitter. Criteria: Ambry Variant Classification Scheme 2023. Collection method: clinical testing. Allele origin: germline.

NM_001482.3(GATM):c.1186C>T (p.Arg396Cys)

Gene: GATM (glycine amidinotransferase; minus strand). Cytogenetic location: 15q21.1.
Variant type: single nucleotide variant.
Coding change: c.1186C>T on transcript NM_001482.3 (MANE Select); coding-DNA position 1186, C replaced by T.
Protein change: p.Arg396Cys; replaces arginine 396 with cysteine.
Molecular consequence: missense variant.
Genome position (GRCh38, 1-based): chr15:45,362,195, G>A on the plus strand (C>T on the coding strand, the complement: GATM is on the minus strand). VCF-style: chr15-45362195-G-A. GRCh37 (hg19) VCF-style: chr15-45654393-G-A.
Other names: c.799C>T, p.Arg267Cys (NM_001321015.2); c.1186C>T (NM_001482.2); short protein forms R267C, R396C.
Identifiers: ClinVar variation 2187313 (VCV002187313.5), dbSNP rs1183535332, ClinGen allele CA392254978.